The following is an entry in ClinVar:

ClinVar aggregate classification (germline): Uncertain significance (1 of 4 stars; one submission).

Allele frequency attached by ClinVar (database versions not stated): ExAC 0.00007; gnomAD exomes 0.00008; gnomAD 0.00010 and 0.00011; TOPMed 0.00012; ESP Exome Variant Server 0.00015.
gnomAD v4.1: 129 of 1,614,066 alleles (0.008%); highest among the groups gnomAD compares: Middle Eastern, 0.016%; no homozygotes.

Submission:

Labcorp Genetics (formerly Invitae), Labcorp
Classification: Uncertain significance. Last evaluated: 2025-12-19. Review status: criteria provided, single submitter. Criteria: Invitae Variant Classification Sherloc (09022015). Collection method: clinical testing. Allele origin: germline.
Comment: This sequence change replaces asparagine, which is neutral and polar, with serine, which is neutral and polar, at codon 483 of the KIF20A protein (p.Asn483Ser). This variant is present in population databases (rs36032759, gnomAD 0.01%). This variant has not been reported in the literature in individuals affected with KIF20A-related conditions. ClinVar contains an entry for this variant (Variation ID: 1418146). An algorithm developed to predict the effect of missense changes on protein structure and function (PolyPhen-2) suggests that this variant is likely to be disruptive. In summary, the available evidence is currently insufficient to determine the role of this variant in disease. Therefore, it has been classified as a Variant of Uncertain Significance.

NM_005733.3(KIF20A):c.1448A>G (p.Asn483Ser)

Gene: KIF20A (kinesin family member 20A; plus strand). Cytogenetic location: 5q31.2.
Variant type: single nucleotide variant.
Coding change: c.1448A>G on transcript NM_005733.3 (MANE Select); coding-DNA position 1448, A replaced by G.
Protein change: p.Asn483Ser; replaces asparagine 483 with serine.
Molecular consequence: missense variant.
Genome position (GRCh38, 1-based): chr5:138,184,334, A>G. VCF-style: chr5-138184334-A-G. GRCh37 (hg19) VCF-style: chr5-137520023-A-G.
Other names: short protein forms N483S.
Identifiers: ClinVar variation 1418146 (VCV001418146.6), dbSNP rs36032759, ClinGen allele CA3426605.
Genomic context (GRCh38, chr5:138,184,334, plus strand): 5'-AGTTGACTCGAGTGTTCCAAGGTTTCTTCACAGGCCGAGGCCGTTCCTGCATGATTGTCA[A>G]TGTGAATCCCTGTGCATCTACCTATGATGAAACTCTTCATGTGGCCAAGTTCTCAGCCAT-3'
Protein context (NP_005724.1, residues 473-493): TGRGRSCMIV[Asn483Ser]VNPCASTYDE